The following is an entry in ClinVar:

NM_015046.7(SETX):c.3398_3400del (p.Lys1133_Gly1134delinsArg)

Gene: SETX (senataxin; minus strand). Cytogenetic location: 9q34.13.
Variant type: Deletion.
Coding change: c.3398_3400del on transcript NM_015046.7 (MANE Select); coding-DNA positions 3398 to 3400, 3 bases deleted (AAG; older notation c.3398_3400delAAG).
Protein change: p.Lys1133_Gly1134delinsArg.
Molecular consequence: inframe indel.
Genome position (GRCh38, 1-based): chr9:132,328,198-132,328,200, CTT deleted on the plus strand (AAG on the coding strand, the reverse complement: SETX is on the minus strand). VCF-style (leftmost placement, unchanged base first): chr9-132328197-CCTT-C. GRCh37 (hg19) VCF-style: chr9-135203584-CCTT-C.
Other names: c.3398_3400del, p.Lys1133_Gly1134delinsArg (NM_001351527.2, NM_001351528.2); c.3398_3400delAAG, p.Lys1133_Gly1134delinsArg (NM_015046.5).
Identifiers: ClinVar variation 3571633 (VCV003571633.1).
Genomic context (GRCh38, chr9:132,328,197, plus strand): 5'-TCACAAAATTCTTCAACAGAAATACTCCGTGGTCTTGTGTGTTCTTCAATGCCCTCTGCT[CCTT>C]TTTTAACAACTTCAGATACATAATCTGTACAACCCTGACCATTTGTAGTATTGGCTATAG-3'

ClinVar aggregate classification (germline): Uncertain significance (1 of 4 stars; one submission).

Submission:

Athena Diagnostics
Classification: Uncertain significance. Last evaluated: 2024-03-26. Review status: criteria provided, single submitter. Criteria: Athena Diagnostics Criteria. Collection method: clinical testing. Allele origin: unknown.
Comment: Available data are insufficient to determine the clinical significance of the variant at this time. This variant has not been reported in large, multi-ethnic general populations. Computational tools yielded predictions that this variant is unlikely to have an effect on normal RNA splicing.